The following is an entry in ClinVar:

NM_000157.4(GBA1):c.1331A>T (p.Asp444Val)

Genes: GBA1 (glucosylceramidase beta 1; minus strand), LOC106627981 (GBA recombination region; plus strand). Cytogenetic location: 1q22.
Variant type: single nucleotide variant.
Coding change: c.1331A>T on transcript NM_000157.4 (MANE Select); coding-DNA position 1331, A replaced by T.
Protein change: p.Asp444Val; replaces aspartic acid 444 with valine.
Molecular consequence: missense variant.
Genome position (GRCh38, 1-based): chr1:155,235,738, T>A on the plus strand (A>T on the coding strand, the complement: GBA1 is on the minus strand). VCF-style: chr1-155235738-T-A. GRCh37 (hg19) VCF-style: chr1-155205529-T-A.
Other names: c.1331A>T, p.Asp444Val (NM_001005741.3, NM_001005742.3); c.1070A>T, p.Asp357Val (NM_001171811.2); c.1184A>T, p.Asp395Val (NM_001171812.2); short protein forms D357V, D395V, D444V.
Identifiers: ClinVar variation 3769250 (VCV003769250.2).

ClinVar aggregate classification (germline): Likely pathogenic (1 of 4 stars; one submission).

Conditions:
Gaucher disease. Also called: Acute cerebral Gaucher disease; Cerebroside lipidosis syndrome; Gaucher splenomegaly; Sphingolipidosis 1; Glucocerebrosidosis; Glucosylceramidase deficiency. Identifiers: Orphanet 355, MedGen C0017205, MONDO:0018150.

gnomAD v4.1: 1 of 1,614,004 alleles (0.000062%); highest among the groups gnomAD compares: South Asian, 0.0011%; no homozygotes.

Submission:

Women's Health and Genetics/Laboratory Corporation of America, LabCorp
Classification: Likely pathogenic for Gaucher disease. Last evaluated: 2025-01-06. Review status: criteria provided, single submitter. Criteria: LabCorp Variant Classification Summary - May 2015. Collection method: clinical testing. Allele origin: germline.
Comment: Variant summary: GBA1 c.1331A>T (p.Asp444Val) results in a non-conservative amino acid change in the encoded protein sequence. Five of five in-silico tools predict a damaging effect of the variant on protein function. The variant allele was found at a frequency of 4e-06 in 250908 control chromosomes (gnomAD). c.1331A>T has been reported in the literature in individuals affected with Gaucher Disease (e.g. Arndt_2009, Silva Garcia_2021, Curado_2023). These data indicate that the variant is likely to be associated with disease. To our knowledge, no experimental evidence demonstrating an impact on protein function has been reported. The following publications have been ascertained in the context of this evaluation (PMID: 19394250, 34134921, 37685353). No submitters have cited clinical-significance assessments for this variant to ClinVar. Based on the evidence outlined above, the variant was classified as likely pathogenic.

Literature cited by the submitters: PubMed 34134921; PubMed 19394250; PubMed 37685353.